The following is an entry in ClinVar:

NM_005600.3(NIT1):c.591+2T>G

Gene: NIT1 (nitrilase 1; plus strand). Cytogenetic location: 1q23.3.
Variant type: single nucleotide variant.
Coding change: c.591+2T>G on transcript NM_005600.3 (MANE Select); the canonical splice donor site of the intron after coding-DNA position 591, T replaced by G.
Molecular consequence: splice donor variant.
Genome position (GRCh38, 1-based): chr1:161,119,954, T>G. VCF-style: chr1-161119954-T-G. GRCh37 (hg19) VCF-style: chr1-161089744-T-G.
Other names: c.591+2T>G (NM_001185092.2); c.546+2T>G (NM_001185093.2); c.483+2T>G (NM_001185094.2).
Identifiers: ClinVar variation 3256938 (VCV003256938.1).

ClinVar aggregate classification (germline): Likely pathogenic (1 of 4 stars; one submission).

Conditions:
Susceptibility to severe COVID-19.

Submission:

Molecular Medicine Center, Medical University of Sofia
Classification: Likely pathogenic for Susceptibility to severe COVID-19. Last evaluated: 2024-07-22. Review status: criteria provided, single submitter. Criteria: ACMG Guidelines, 2015. Collection method: research. Allele origin: germline. Affected: yes.
Comment: Novel (unreported in gnomAD or dbSNP until April 2024) variant found in severely infected COVID-19 Bulgarian patients in a research study. Variant is classified as likely pathogenic according to the ACMG criteria: PM2,PVS1.